The following is an entry in ClinVar:

NM_001111.5(ADAR):c.1079G>A (p.Arg360Gln)

Gene: ADAR (adenosine deaminase RNA specific; minus strand). Cytogenetic location: 1q21.3.
Variant type: single nucleotide variant.
Coding change: c.1079G>A on transcript NM_001111.5 (MANE Select); coding-DNA position 1079, G replaced by A.
Protein change: p.Arg360Gln; replaces arginine 360 with glutamine.
Molecular consequence: missense variant.
Genome position (GRCh38, 1-based): chr1:154,601,563, C>T on the plus strand (G>A on the coding strand, the complement: ADAR is on the minus strand). VCF-style: chr1-154601563-C-T. GRCh37 (hg19) VCF-style: chr1-154574039-C-T.
Other names: c.194G>A, p.Arg65Gln (NM_001025107.3, NM_001193495.2, NM_001365046.1 and 3 more transcripts); c.1106G>A, p.Arg369Gln (NM_001365045.1); c.1079G>A, p.Arg360Gln (NM_015840.4, NM_015841.4); c.1079G>A (NM_001111.4); short protein forms R360Q, R369Q, R65Q.
Identifiers: ClinVar variation 1046556 (VCV001046556.9), dbSNP rs149091481, ClinGen allele CA1131592.
Genomic context (GRCh38, chr1:154,601,563, plus strand): 5'-ATTGCAGCTGGAGCGGTTTCAGGAACACTGTTCGTATTTCTCTTGATTTGCATCCTCTCT[C>T]GCTTCTTGTCTGTCAAATGCCATATGGGAGGGGTTGTCCCTTGTCTATAGACATCCCCCT-3'
Protein context (NP_001102.3, residues 350-370): PPIWHLTDKK[Arg360Gln]ERMQIKRNTN

ClinVar aggregate classification (germline): Uncertain significance. Review status: criteria provided, multiple submitters, no conflicts (2 of 4 stars). 2 submissions from 2 submitters: Uncertain significance (2). Last evaluated 2025-09-15.

Conditions:
Inborn genetic diseases. Identifiers: MedGen C0950123, MeSH D030342.
Symmetrical dyschromatosis of extremities (DSH). Also called: Dyschromatosis symmetrica hereditaria; RETICULATE ACROPIGMENTATION OF DOHI; DYSCHROMATOSIS SYMMETRICA HEREDITARIA 1; SYMMETRIC DYSCHROMATOSIS OF THE EXTREMITIES. Identifiers: Orphanet 41, MedGen C0406775, MONDO:0007483, OMIM 127400.
Aicardi-Goutieres syndrome 6 (AGS6). Identifiers: Orphanet 51, MedGen C3539013, MONDO:0014007, OMIM 615010.

Allele frequency attached by ClinVar (database versions not stated): gnomAD exomes 0.00001 and 0.00002; gnomAD 0.00004; ExAC 0.00002; TOPMed 0.00004; ESP Exome Variant Server 0.00008.
gnomAD v4.1: 22 of 1,612,362 alleles (0.0014%); highest among the groups gnomAD compares: South Asian, 0.0044%; no homozygotes.

Submissions (2):

Labcorp Genetics (formerly Invitae), Labcorp
Classification: Uncertain significance for Aicardi-Goutieres syndrome 6; Symmetrical dyschromatosis of extremities. Last evaluated: 2025-09-15. Review status: criteria provided, single submitter. Criteria: Invitae Variant Classification Sherloc (09022015). Collection method: clinical testing. Allele origin: germline.
Comment: This sequence change replaces arginine, which is basic and polar, with glutamine, which is neutral and polar, at codon 360 of the ADAR protein (p.Arg360Gln). This variant is present in population databases (rs149091481, gnomAD 0.04%). This variant has not been reported in the literature in individuals affected with ADAR-related conditions. ClinVar contains an entry for this variant (Variation ID: 1046556). Invitae Evidence Modeling of protein sequence and biophysical properties (such as structural, functional, and spatial information, amino acid conservation, physicochemical variation, residue mobility, and thermodynamic stability) indicates that this missense variant is not expected to disrupt ADAR protein function with a negative predictive value of 80%. In summary, the available evidence is currently insufficient to determine the role of this variant in disease. Therefore, it has been classified as a Variant of Uncertain Significance.

Ambry Genetics
Classification: Uncertain significance for Inborn genetic diseases. Last evaluated: 2023-11-03. Review status: criteria provided, single submitter. Criteria: Ambry Variant Classification Scheme 2023. Collection method: clinical testing. Allele origin: germline.